The following is an entry in ClinVar:

ClinVar aggregate classification (germline): Uncertain significance (1 of 4 stars; one submission).

Conditions:
Ataxia-telangiectasia syndrome (AT). Also called: Ataxia telangiectasia (A-T); Cerebello-oculocutaneous telangiectasia; Immunodeficiency with ataxia telangiectasia; ATAXIA-TELANGIECTASIA, FRESNO VARIANT; LOUIS-BAR SYNDROME; Ataxia-telangiectasia, complementation group D. Identifiers: Orphanet 100, MedGen C0004135, MONDO:0008840, OMIM 208900.

Submission:

Labcorp Genetics (formerly Invitae), Labcorp
Classification: Uncertain significance for Ataxia-telangiectasia syndrome. Last evaluated: 2024-04-22. Review status: criteria provided, single submitter. Criteria: Invitae Variant Classification Sherloc (09022015). Collection method: clinical testing. Allele origin: germline.
Comment: This sequence change replaces serine, which is neutral and polar, with cysteine, which is neutral and slightly polar, at codon 1358 of the ATM protein (p.Ser1358Cys). This variant is not present in population databases (gnomAD no frequency). This variant has not been reported in the literature in individuals affected with ATM-related conditions. An algorithm developed to predict the effect of missense changes on protein structure and function (PolyPhen-2) suggests that this variant is likely to be tolerated. In summary, the available evidence is currently insufficient to determine the role of this variant in disease. Therefore, it has been classified as a Variant of Uncertain Significance.

NM_000051.4(ATM):c.4072A>T (p.Ser1358Cys)

Gene: ATM (ATM serine/threonine kinase; plus strand). Cytogenetic location: 11q22.3.
Variant type: single nucleotide variant.
Coding change: c.4072A>T on transcript NM_000051.4 (MANE Select); coding-DNA position 4072, A replaced by T.
Protein change: p.Ser1358Cys; replaces serine 1358 with cysteine.
Molecular consequence: missense variant.
Genome position (GRCh38, 1-based): chr11:108,287,678, A>T. VCF-style: chr11-108287678-A-T. GRCh37 (hg19) VCF-style: chr11-108158405-A-T.
Other names: c.4072A>T, p.Ser1358Cys (NM_001351834.2); short protein forms S1358C.
Identifiers: ClinVar variation 2802714 (VCV002802714.3), dbSNP rs1176020475, ClinGen allele CA382528193.
Genomic context (GRCh38, chr11:108,287,678, plus strand): 5'-AGTAATTTACCAGAGATTGTGGTGGAGTTATTGATGACGTTACATGAGCCAGCAAATTCT[A>T]GTGCCAGTCAGAGCACTGACCTCTGTGACTTTTCAGGGTATGTACATTTTAAACTTAGAG-3'
Protein context (NP_000042.3, residues 1348-1368): LMTLHEPANS[Ser1358Cys]ASQSTDLCDF